The following is an entry in ClinVar:

NM_000066.4(C8B):c.1524C>A (p.Cys508Ter)

Gene: C8B (complement C8 beta chain; minus strand). Cytogenetic location: 1p32.2.
Variant type: single nucleotide variant.
Coding change: c.1524C>A on transcript NM_000066.4 (MANE Select); coding-DNA position 1524, C replaced by A.
Protein change: p.Cys508Ter; replaces cysteine 508 with a stop codon.
Molecular consequence: nonsense.
Genome position (GRCh38, 1-based): chr1:56,933,363, G>T on the plus strand (C>A on the coding strand, the complement: C8B is on the minus strand). VCF-style: chr1-56933363-G-T. GRCh37 (hg19) VCF-style: chr1-57399036-G-T.
Other names: c.1368C>A, p.Cys456Ter (NM_001278543.2); c.1338C>A, p.Cys446Ter (NM_001278544.2); c.1524C>A (NM_000066.3); short protein forms C446*, C508*, C456*.
Identifiers: ClinVar variation 1452716 (VCV001452716.6), dbSNP rs1176902020, ClinGen allele CA340520266.

ClinVar aggregate classification (germline): Pathogenic/Likely pathogenic. Review status: criteria provided, multiple submitters, no conflicts (2 of 4 stars). 2 submissions from 2 submitters: Pathogenic (1); Likely pathogenic (1). Last evaluated 2023-09-08.

Conditions:
C8B-related disorder. Also called: C8B-related condition.

Allele frequency attached by ClinVar (database versions not stated): TOPMed below 0.00001; gnomAD 0.00001; gnomAD exomes 0.00001.
gnomAD v4.1: 10 of 1,613,598 alleles (0.00062%); highest among the groups gnomAD compares: Non-Finnish European, 0.00076%; no homozygotes.

Submissions (2):

PreventionGenetics, part of Exact Sciences
Classification: Likely pathogenic for C8B-related condition. Last evaluated: 2023-09-08. Review status: criteria provided, single submitter. Criteria: ACMG Guidelines, 2015. Collection method: clinical testing. Allele origin: germline.
Comment: The C8B c.1524C>A variant is predicted to result in premature protein termination (p.Cys508*). To our knowledge, this variant has not been reported in the literature or in a large population database, indicating this variant is rare. Nonsense variants in C8B are expected to be pathogenic. This variant is interpreted as likely pathogenic.

Labcorp Genetics (formerly Invitae), Labcorp
Classification: Pathogenic. Last evaluated: 2021-08-30. Review status: criteria provided, single submitter. Criteria: Invitae Variant Classification Sherloc (09022015). Collection method: clinical testing. Allele origin: germline.
Comment: For these reasons, this variant has been classified as Pathogenic. This variant has not been reported in the literature in individuals affected with C8B-related conditions. This variant is not present in population databases (ExAC no frequency). This sequence change creates a premature translational stop signal (p.Cys508*) in the C8B gene. It is expected to result in an absent or disrupted protein product. Loss-of-function variants in C8B are known to be pathogenic (PMID: 7594510).

Literature cited by the submitters: PubMed 7594510 (cited by Labcorp Genetics (formerly Invitae), Labcorp).